The following is an entry in ClinVar:

ClinVar aggregate classification (germline): Uncertain significance (1 of 4 stars; one submission).

Conditions:
Severe combined immunodeficiency due to IKK2 deficiency. Also called: IMMUNODEFICIENCY 15B; Immunodeficiency 15. Identifiers: Orphanet 397787, MedGen C4747743, MONDO:0014267, OMIM 615592.

gnomAD v4.1: 2 of 1,613,576 alleles (0.00012%); highest among the groups gnomAD compares: Admixed American, 0.0017%; no homozygotes.

Submission:

Labcorp Genetics (formerly Invitae), Labcorp
Classification: Uncertain significance for Severe combined immunodeficiency due to IKK2 deficiency. Last evaluated: 2025-03-07. Review status: criteria provided, single submitter. Criteria: Invitae Variant Classification Sherloc (09022015). Collection method: clinical testing. Allele origin: germline.
Comment: This sequence change replaces alanine, which is neutral and non-polar, with valine, which is neutral and non-polar, at codon 87 of the IKBKB protein (p.Ala87Val). This variant is not present in population databases (gnomAD no frequency). This variant has not been reported in the literature in individuals affected with IKBKB-related conditions. An algorithm developed to predict the effect of missense changes on protein structure and function (PolyPhen-2) suggests that this variant is likely to be tolerated. In summary, the available evidence is currently insufficient to determine the role of this variant in disease. Therefore, it has been classified as a Variant of Uncertain Significance.

NM_001556.3(IKBKB):c.260C>T (p.Ala87Val)

Gene: IKBKB (inhibitor of nuclear factor kappa B kinase subunit beta; plus strand). Cytogenetic location: 8p11.21.
Variant type: single nucleotide variant.
Coding change: c.260C>T on transcript NM_001556.3 (MANE Select); coding-DNA position 260, C replaced by T.
Protein change: p.Ala87Val; replaces alanine 87 with valine.
Molecular consequence: missense variant. On other transcripts: non-coding transcript variant (3).
Genome position (GRCh38, 1-based): chr8:42,290,215, C>T. VCF-style: chr8-42290215-C-T. GRCh37 (hg19) VCF-style: chr8-42147733-C-T.
Other names: c.68C>T, p.Ala23Val (NM_001190720.3); c.83C>T, p.Ala28Val (NM_001242778.2); short protein forms A23V, A87V, A28V.
Identifiers: ClinVar variation 4766611 (VCV004766611.1).